The following is an entry in ClinVar:

NM_000222.3(KIT):c.2234_2235delinsAA (p.Gly745Glu)

Gene: KIT (KIT proto-oncogene, receptor tyrosine kinase; plus strand). Cytogenetic location: 4q12.
Variant type: Indel.
Coding change: c.2234_2235delinsAA on transcript NM_000222.3 (MANE Select); coding-DNA positions 2234 to 2235, GC replaced by AA.
Protein change: p.Gly745Glu; replaces glycine 745 with glutamic acid.
Molecular consequence: missense variant.
Genome position (GRCh38, 1-based): chr4:54,731,871-54,731,872, GC replaced by AA. VCF-style: chr4-54731871-GC-AA. GRCh37 (hg19) VCF-style: chr4-55598037-GC-AA.
Other names: c.2222_2223delinsAA, p.Gly741Glu (NM_001093772.2, NM_001385292.1); c.2237_2238delinsAA, p.Gly746Glu (NM_001385284.1); c.2231_2232delinsAA, p.Gly744Glu (NM_001385285.1); c.2219_2220delinsAA, p.Gly740Glu (NM_001385286.1); c.2225_2226delinsAA, p.Gly742Glu (NM_001385288.1); c.2234_2235delinsAA, p.Gly745Glu (NM_001385290.1); short protein forms G742E, G745E, G740E, G744E, G746E, G741E.
Identifiers: ClinVar variation 2703664 (VCV002703664.3), dbSNP rs2475564268, ClinGen allele CA2697546716.

ClinVar aggregate classification (germline): Uncertain significance (1 of 4 stars; one submission).

Conditions:
Gastrointestinal stromal tumor. Also called: Gastrointestinal stromal tumor, somatic; Gastrointestinal stroma tumor. Identifiers: Orphanet 44890, MedGen C0238198, MeSH D046152, MONDO:0011719, OMIM 606764, HP:0100723.

Submission:

Labcorp Genetics (formerly Invitae), Labcorp
Classification: Uncertain significance for Gastrointestinal stromal tumor. Last evaluated: 2025-05-05. Review status: criteria provided, single submitter. Criteria: Invitae Variant Classification Sherloc (09022015). Collection method: clinical testing. Allele origin: germline.
Comment: This sequence change replaces glycine, which is neutral and non-polar, with glutamic acid, which is acidic and polar, at codon 745 of the KIT protein (p.Gly745Glu). Information on the frequency of this variant in the gnomAD database is not available, as this variant may be reported differently in the database. This variant has not been reported in the literature in individuals affected with KIT-related conditions. ClinVar contains an entry for this variant (Variation ID: 2703664). An algorithm developed to predict the effect of missense changes on protein structure and function (PolyPhen-2) suggests that this variant is likely to be disruptive. In summary, the available evidence is currently insufficient to determine the role of this variant in disease. Therefore, it has been classified as a Variant of Uncertain Significance.